The following is an entry in ClinVar:

NM_004260.4(RECQL4):c.3411C>G (p.Asp1137Glu)

Gene: RECQL4 (RecQ like helicase 4; minus strand). Cytogenetic location: 8q24.3.
Variant type: single nucleotide variant.
Coding change: c.3411C>G on transcript NM_004260.4 (MANE Select); coding-DNA position 3411, C replaced by G.
Protein change: p.Asp1137Glu; replaces aspartic acid 1137 with glutamic acid.
Molecular consequence: missense variant. On other transcripts: non-coding transcript variant (3).
Genome position (GRCh38, 1-based): chr8:144,511,772, G>C on the plus strand (C>G on the coding strand, the complement: RECQL4 is on the minus strand). VCF-style: chr8-144511772-G-C. GRCh37 (hg19) VCF-style: chr8-145737155-G-C.
Other names: c.3117C>G, p.Asp1039Glu (NM_001413017.1); c.3213C>G, p.Asp1071Glu (NM_001413018.1); c.3486C>G, p.Asp1162Glu (NM_001413019.1); c.3315C>G, p.Asp1105Glu (NM_001413020.1); c.2340C>G, p.Asp780Glu (NM_001413021.1, NM_001413022.1, NM_001413024.1 and 4 more transcripts); c.2415C>G, p.Asp805Glu (NM_001413023.1); c.3282C>G, p.Asp1094Glu (NM_001413025.1); c.2274C>G, p.Asp758Glu (NM_001413027.1, NM_001413030.1, NM_001413032.1); and 9 more; short protein forms D1093E, D1127E, D648E, D714E, D1105E, D1137E, D1140E, D736E.
Identifiers: ClinVar variation 2846890 (VCV002846890.3), dbSNP rs754328779, ClinGen allele CA372667499.

ClinVar aggregate classification (germline): Uncertain significance (1 of 4 stars; one submission).

Conditions:
Baller-Gerold syndrome (BGS). Also called: CRANIOSYNOSTOSIS WITH RADIAL DEFECTS. Identifiers: Orphanet 1225, MedGen C0265308, MONDO:0009039, OMIM 218600.

Submission:

Labcorp Genetics (formerly Invitae), Labcorp
Classification: Uncertain significance for Baller-Gerold syndrome. Last evaluated: 2023-03-18. Review status: criteria provided, single submitter. Criteria: Invitae Variant Classification Sherloc (09022015). Collection method: clinical testing. Allele origin: germline.
Comment: This variant is not present in population databases (gnomAD no frequency). This sequence change replaces aspartic acid, which is acidic and polar, with glutamic acid, which is acidic and polar, at codon 1137 of the RECQL4 protein (p.Asp1137Glu). This variant has not been reported in the literature in individuals affected with RECQL4-related conditions. In summary, the available evidence is currently insufficient to determine the role of this variant in disease. Therefore, it has been classified as a Variant of Uncertain Significance. Advanced modeling of protein sequence and biophysical properties (such as structural, functional, and spatial information, amino acid conservation, physicochemical variation, residue mobility, and thermodynamic stability) performed at Invitae indicates that this missense variant is not expected to disrupt RECQL4 protein function.